The following is an entry in ClinVar:

ClinVar aggregate classification (germline): Likely pathogenic (1 of 4 stars; one submission).

gnomAD v4.1: 1 of 1,572,124 alleles (0.000064%); highest among the groups gnomAD compares: Non-Finnish European, 0.000088%; no homozygotes.

Submission:

GeneDx
Classification: Likely pathogenic. Last evaluated: 2022-09-21. Review status: criteria provided, single submitter. Criteria: GeneDx Variant Classification Process June 2021. Collection method: clinical testing. Allele origin: germline. Affected: yes.
Comment: Not observed at significant frequency in large population cohorts (gnomAD); In silico analysis supports that this missense variant has a deleterious effect on protein structure/function

NM_000441.2(SLC26A4):c.407T>A (p.Ile136Asn)

Gene: SLC26A4 (solute carrier family 26 member 4; plus strand). Cytogenetic location: 7q22.3.
Variant type: single nucleotide variant.
Coding change: c.407T>A on transcript NM_000441.2 (MANE Select); coding-DNA position 407, T replaced by A.
Protein change: p.Ile136Asn; replaces isoleucine 136 with asparagine.
Molecular consequence: missense variant.
Genome position (GRCh38, 1-based): chr7:107,672,240, T>A. VCF-style: chr7-107672240-T-A. GRCh37 (hg19) VCF-style: chr7-107312685-T-A.
Other names: short protein forms I136N.
Identifiers: ClinVar variation 4278592 (VCV004278592.1).